The following is an entry in ClinVar:

NM_013275.6(ANKRD11):c.6923G>A (p.Gly2308Asp)

Gene: ANKRD11 (ankyrin repeat domain 11; minus strand). Cytogenetic location: 16q24.3.
Variant type: single nucleotide variant.
Coding change: c.6923G>A on transcript NM_013275.6 (MANE Select); coding-DNA position 6923, G replaced by A.
Protein change: p.Gly2308Asp; replaces glycine 2308 with aspartic acid.
Molecular consequence: missense variant.
Genome position (GRCh38, 1-based): chr16:89,279,619, C>T on the plus strand (G>A on the coding strand, the complement: ANKRD11 is on the minus strand). VCF-style: chr16-89279619-C-T. GRCh37 (hg19) VCF-style: chr16-89346027-C-T.
Other names: c.6923G>A, p.Gly2308Asp (NM_001256182.2, NM_001256183.2); c.6923G>A (NM_013275.5); short protein forms G2308D.
Identifiers: ClinVar variation 1418726 (VCV001418726.7), dbSNP rs1057522245, ClinGen allele CA397149704.

ClinVar aggregate classification (germline): Uncertain significance. Review status: criteria provided, multiple submitters, no conflicts (2 of 4 stars). 2 submissions from 2 submitters: Uncertain significance (2). Last evaluated 2024-02-13.

Conditions:
KBG syndrome (KBGS). Also called: ANKRD11-Related KBG Syndrome. Identifiers: Orphanet 2332, MedGen C0220687, MONDO:0007846, OMIM 148050.

Submissions (2):

GeneDx
Classification: Uncertain significance. Last evaluated: 2024-02-13. Review status: criteria provided, single submitter. Criteria: GeneDx Variant Classification Process June 2021. Collection method: clinical testing. Allele origin: germline. Affected: yes.
Comment: Not observed at significant frequency in large population cohorts (gnomAD); In silico analysis supports that this missense variant does not alter protein structure/function; Has not been previously published as pathogenic or benign to our knowledge

Labcorp Genetics (formerly Invitae), Labcorp
Classification: Uncertain significance for KBG syndrome. Last evaluated: 2024-01-29. Review status: criteria provided, single submitter. Criteria: Invitae Variant Classification Sherloc (09022015). Collection method: clinical testing. Allele origin: germline.
Comment: This sequence change replaces glycine, which is neutral and non-polar, with aspartic acid, which is acidic and polar, at codon 2308 of the ANKRD11 protein (p.Gly2308Asp). This variant is not present in population databases (gnomAD no frequency). This variant has not been reported in the literature in individuals affected with ANKRD11-related conditions. ClinVar contains an entry for this variant (Variation ID: 1418726). Advanced modeling of protein sequence and biophysical properties (such as structural, functional, and spatial information, amino acid conservation, physicochemical variation, residue mobility, and thermodynamic stability) performed at Invitae indicates that this missense variant is not expected to disrupt ANKRD11 protein function with a negative predictive value of 95%. In summary, the available evidence is currently insufficient to determine the role of this variant in disease. Therefore, it has been classified as a Variant of Uncertain Significance.